The following is an entry in ClinVar:

NM_024656.4(COLGALT1):c.269C>T (p.Thr90Met)

Gene: COLGALT1 (collagen beta(1-O)galactosyltransferase 1; plus strand). Cytogenetic location: 19p13.11.
Variant type: single nucleotide variant.
Coding change: c.269C>T on transcript NM_024656.4 (MANE Select); coding-DNA position 269, C replaced by T.
Protein change: p.Thr90Met; replaces threonine 90 with methionine.
Molecular consequence: missense variant.
Genome position (GRCh38, 1-based): chr19:17,559,319, C>T. VCF-style: chr19-17559319-C-T. GRCh37 (hg19) VCF-style: chr19-17670128-C-T.
Other names: c.269C>T (NM_024656.3); short protein forms T90M.
Identifiers: ClinVar variation 2382114 (VCV002382114.4), dbSNP rs368847314, ClinGen allele CA9296851.

ClinVar aggregate classification (germline): Uncertain significance. Review status: criteria provided, multiple submitters, no conflicts (2 of 4 stars). 2 submissions from 2 submitters: Uncertain significance (2). Last evaluated 2026-01-18.

Conditions:
Inborn genetic diseases. Identifiers: MedGen C0950123, MeSH D030342.

Allele frequency attached by ClinVar (database versions not stated): TOPMed 0.00002; gnomAD 0.00003; gnomAD exomes 0.00003; ExAC 0.00005; ESP Exome Variant Server 0.00008.
gnomAD v4.1: 48 of 1,551,526 alleles (0.0031%); highest among the groups gnomAD compares: South Asian, 0.018%; no homozygotes.

Submissions (2):

GeneDx
Classification: Uncertain significance. Last evaluated: 2026-01-18. Review status: criteria provided, single submitter. Criteria: GeneDx Variant Classification Process June 2021. Collection method: clinical testing. Allele origin: germline.
Comment: In silico analysis supports that this missense variant has a deleterious effect on protein structure/function; Has not been previously published as pathogenic or benign to our knowledge

Ambry Genetics
Classification: Uncertain significance for Inborn genetic diseases. Last evaluated: 2022-11-17. Review status: criteria provided, single submitter. Criteria: Ambry Variant Classification Scheme 2023. Collection method: clinical testing. Allele origin: germline.